The following is an entry in ClinVar:

NM_005909.5(MAP1B):c.2191G>C (p.Glu731Gln)

Gene: MAP1B (microtubule associated protein 1B; plus strand). Cytogenetic location: 5q13.2.
Variant type: single nucleotide variant.
Coding change: c.2191G>C on transcript NM_005909.5 (MANE Select); coding-DNA position 2191, G replaced by C.
Protein change: p.Glu731Gln; replaces glutamic acid 731 with glutamine.
Molecular consequence: missense variant.
Genome position (GRCh38, 1-based): chr5:72,195,546, G>C. VCF-style: chr5-72195546-G-C. GRCh37 (hg19) VCF-style: chr5-71491373-G-C.
Other names: c.1813G>C, p.Glu605Gln (NM_001324255.2); short protein forms E605Q, E731Q.
Identifiers: ClinVar variation 4538825 (VCV004538825.1).
Genomic context (GRCh38, chr5:72,195,546, plus strand): 5'-AAGGAAGTTAAGAAGGAAGAGAAGAAGGAAGTGAAAAAGGAAGAAAAGGAACCCAAAAAA[G>C]AAATTAAGAAGCTCCCTAAAGACGCAAAGAAATCATCTACTCCTCTGTCTGAAGCAAAAA-3'
Protein context (NP_005900.2, residues 721-741): VKKEEKEPKK[Glu731Gln]IKKLPKDAKK

ClinVar aggregate classification (germline): Uncertain significance (1 of 4 stars; one submission).

Submission:

GeneDx
Classification: Uncertain significance. Last evaluated: 2025-06-20. Review status: criteria provided, single submitter. Criteria: GeneDx Variant Classification Process June 2021. Collection method: clinical testing. Allele origin: germline. Affected: yes.
Comment: Not observed at significant frequency in large population cohorts (gnomAD); In silico analysis suggests that this missense variant does not alter protein structure/function; Has not been previously published as pathogenic or benign to our knowledge